The following is an entry in ClinVar:

ClinVar aggregate classification (germline): Uncertain significance. Review status: criteria provided, multiple submitters, no conflicts (2 of 4 stars). 2 submissions from 2 submitters: Uncertain significance (2). Last evaluated 2025-01-16.

Conditions:
Inborn genetic diseases. Identifiers: MedGen C0950123, MeSH D030342.

Allele frequency attached by ClinVar (database versions not stated): gnomAD 0.00001; TOPMed 0.00001.
gnomAD v4.1: 10 of 1,342,102 alleles (0.00075%); highest among the groups gnomAD compares: African/African-American, 0.0046%; no homozygotes.

Submissions (2):

Ambry Genetics
Classification: Uncertain significance for Inborn genetic diseases. Last evaluated: 2025-01-16. Review status: criteria provided, single submitter. Criteria: Ambry Variant Classification Scheme 2023. Collection method: clinical testing. Allele origin: germline.

Labcorp Genetics (formerly Invitae), Labcorp
Classification: Uncertain significance. Last evaluated: 2023-03-10. Review status: criteria provided, single submitter. Criteria: Invitae Variant Classification Sherloc (09022015). Collection method: clinical testing. Allele origin: germline.
Comment: An algorithm developed to predict the effect of missense changes on protein structure and function (PolyPhen-2) suggests that this variant is likely to be tolerated. In summary, the available evidence is currently insufficient to determine the role of this variant in disease. Therefore, it has been classified as a Variant of Uncertain Significance. This sequence change replaces alanine, which is neutral and non-polar, with serine, which is neutral and polar, at codon 42 of the DNAH9 protein (p.Ala42Ser). This variant is present in population databases (no rsID available, gnomAD 0.01%). This variant has not been reported in the literature in individuals affected with DNAH9-related conditions. ClinVar contains an entry for this variant (Variation ID: 1367057).

NM_001372.4(DNAH9):c.124G>T (p.Ala42Ser)

Gene: DNAH9 (dynein axonemal heavy chain 9; plus strand). Cytogenetic location: 17p12.
Variant type: single nucleotide variant.
Coding change: c.124G>T on transcript NM_001372.4 (MANE Select); coding-DNA position 124, G replaced by T.
Protein change: p.Ala42Ser; replaces alanine 42 with serine.
Molecular consequence: missense variant.
Genome position (GRCh38, 1-based): chr17:11,598,622, G>T. VCF-style: chr17-11598622-G-T. GRCh37 (hg19) VCF-style: chr17-11501939-G-T.
Other names: c.124G>T (NM_001372.3); short protein forms A42S.
Identifiers: ClinVar variation 1367057 (VCV001367057.7), dbSNP rs1028086885, ClinGen allele CA287796631.